The following is an entry in ClinVar:

ClinVar aggregate classification (germline): Uncertain significance. Review status: criteria provided, multiple submitters, no conflicts (2 of 4 stars). 2 submissions from 2 submitters: Uncertain significance (2). Last evaluated 2025-11-17.

Allele frequency attached by ClinVar (database versions not stated): gnomAD exomes below 0.00001 and 0.00001; ExAC 0.00001; gnomAD 0.00004 and 0.00005; TOPMed 0.00005; ESP Exome Variant Server 0.00008.
gnomAD v4.1: 20 of 1,613,712 alleles (0.0012%); highest among the groups gnomAD compares: Non-Finnish European, 0.0016%; no homozygotes.

Submissions (2):

Labcorp Genetics (formerly Invitae), Labcorp
Classification: Uncertain significance. Last evaluated: 2025-11-17. Review status: criteria provided, single submitter. Criteria: Invitae Variant Classification Sherloc (09022015). Collection method: clinical testing. Allele origin: germline.
Comment: This sequence change replaces histidine, which is basic and polar, with arginine, which is basic and polar, at codon 481 of the CACNA2D4 protein (p.His481Arg). This variant is present in population databases (rs372289307, gnomAD 0.003%). This variant has not been reported in the literature in individuals affected with CACNA2D4-related conditions. ClinVar contains an entry for this variant (Variation ID: 841807). An algorithm developed to predict the effect of missense changes on protein structure and function (PolyPhen-2) suggests that this variant is likely to be tolerated. In summary, the available evidence is currently insufficient to determine the role of this variant in disease. Therefore, it has been classified as a Variant of Uncertain Significance.

Blueprint Genetics
Classification: Uncertain significance. Last evaluated: 2020-04-24. Review status: criteria provided, single submitter. Criteria: ACMG Guidelines, 2015. Collection method: clinical testing. Allele origin: germline.

NM_172364.5(CACNA2D4):c.1442A>G (p.His481Arg)

Gene: CACNA2D4 (calcium voltage-gated channel auxiliary subunit alpha2delta 4; minus strand). Cytogenetic location: 12p13.33.
Variant type: single nucleotide variant.
Coding change: c.1442A>G on transcript NM_172364.5 (MANE Select); coding-DNA position 1442, A replaced by G.
Protein change: p.His481Arg; replaces histidine 481 with arginine.
Molecular consequence: missense variant.
Genome position (GRCh38, 1-based): chr12:1,882,910, T>C on the plus strand (A>G on the coding strand, the complement: CACNA2D4 is on the minus strand). VCF-style: chr12-1882910-T-C. GRCh37 (hg19) VCF-style: chr12-1992076-T-C.
Other names: short protein forms H481R.
Identifiers: ClinVar variation 841807 (VCV000841807.12), dbSNP rs372289307, ClinGen allele CA6387132.